The following is an entry in ClinVar:

ClinVar aggregate classification (germline): Likely pathogenic (1 of 4 stars; one submission).

Submission:

GeneDx
Classification: Likely pathogenic. Last evaluated: 2017-07-06. Review status: criteria provided, single submitter. Criteria: GeneDx Variant Classification (06012015). Collection method: clinical testing. Allele origin: germline. Affected: yes.
Comment: The T876A variant in the CDK13 gene has not been reported previously as a pathogenic variant, nor as a benign variant, to our knowledge. The T876A variant is not observed in large population cohorts (Lek et al., 2016; 1000 Genomes Consortium et al., 2015; Exome Variant Server). The T876A variant is a non-conservative amino acid substitution, which is likely to impact secondary protein structure as these residues differ in polarity, charge, size and/or other properties. This substitution occurs at a position within the protein kinase domain that is conserved across species, and in silico analysis predicts this variant is probably damaging to the protein structure/function. We interpret T876A as a likely pathogenic variant.

NM_003718.5(CDK13):c.2626A>G (p.Thr876Ala)

Gene: CDK13 (cyclin dependent kinase 13; plus strand). Cytogenetic location: 7p14.1.
Variant type: single nucleotide variant.
Coding change: c.2626A>G on transcript NM_003718.5 (MANE Select); coding-DNA position 2626, A replaced by G.
Protein change: p.Thr876Ala; replaces threonine 876 with alanine.
Molecular consequence: missense variant.
Genome position (GRCh38, 1-based): chr7:40,062,851, A>G. VCF-style: chr7-40062851-A-G. GRCh37 (hg19) VCF-style: chr7-40102450-A-G.
Other names: c.2626A>G, p.Thr876Ala (NM_031267.4); short protein forms T876A.
Identifiers: ClinVar variation 450322 (VCV000450322.2), dbSNP rs1554335482, ClinGen allele CA367285431.